The following is an entry in ClinVar:

ClinVar aggregate classification (germline): Likely benign (1 of 4 stars; one submission).

Conditions:
Pyridoxine-dependent epilepsy (EPEO4). Also called: PYRIDOXINE DEPENDENCY WITH SEIZURES; Pyridoxine-Dependent Epilepsy - ALDH7A1; EPILEPSY, EARLY-ONSET, 4, VITAMIN B6-DEPENDENT; Pyridoxine-Dependent Seizures. Identifiers: Orphanet 3006, MedGen C1849508, MONDO:0009945, OMIM 266100. Disease mechanism: loss of function.

Allele frequency attached by ClinVar (database versions not stated): 1000 Genomes Project 30x 0.00203; gnomAD 0.00025 and 0.00052; TOPMed 0.00077; 1000 Genomes Project 0.00220.

Submission:

Illumina Laboratory Services, Illumina
Classification: Likely benign for Pyridoxine-dependent epilepsy. Last evaluated: 2018-01-12. Review status: criteria provided, single submitter. Criteria: ICSL Variant Classification Criteria 13 December 2019. Collection method: clinical testing. Allele origin: germline.
Comment: This variant was observed in the ICSL laboratory as part of a predisposition screen in an ostensibly healthy population. It had not been previously curated by ICSL or reported in the Human Gene Mutation Database (HGMD: prior to June 1st, 2018), and was therefore a candidate for classification through an automated scoring system. Utilizing variant allele frequency, disease prevalence and penetrance estimates, and inheritance mode, an automated score was calculated to assess if this variant is too frequent to cause the disease. Based on the score and internal cut-off values, a variant classified as likely benign is not then subjected to further curation. The score for this variant resulted in a classification of likely benign for this disease.

NM_001182.5(ALDH7A1):c.*2603G>A

Gene: ALDH7A1 (aldehyde dehydrogenase 7 family member A1; minus strand). Cytogenetic location: 5q23.2.
Variant type: single nucleotide variant.
Coding change: c.*2603G>A on transcript NM_001182.5 (MANE Select); 2603 bases downstream of the stop codon, G replaced by A.
Molecular consequence: 3 prime UTR variant.
Genome position (GRCh38, 1-based): chr5:126,542,362, C>T on the plus strand (G>A on the coding strand, the complement: ALDH7A1 is on the minus strand). VCF-style: chr5-126542362-C-T. GRCh37 (hg19) VCF-style: chr5-125878054-C-T.
Other names: c.*2603G>A (NM_001201377.2, NM_001202404.2).
Identifiers: ClinVar variation 904746 (VCV000904746.4), dbSNP rs74415886, ClinGen allele CA126880734.
Genomic context (GRCh38, chr5:126,542,362, plus strand): 5'-AGAGAAGAGGAAGGACACAGAGCCCTCTTGGTCCCTTCAGCATTTTCAGGAGACAGAATG[C>T]CACAGAGAATTTTCCACAGAGCTGGGCATGGTGGCACACTCCTGTAATCCCAACAACTCA-3'